The following is an entry in ClinVar:

NM_001029883.3(PCARE):c.1942G>A (p.Ala648Thr)

Gene: PCARE (photoreceptor cilium actin regulator; minus strand). Cytogenetic location: 2p23.2.
Variant type: single nucleotide variant.
Coding change: c.1942G>A on transcript NM_001029883.3 (MANE Select); coding-DNA position 1942, G replaced by A.
Protein change: p.Ala648Thr; replaces alanine 648 with threonine.
Molecular consequence: missense variant.
Genome position (GRCh38, 1-based): chr2:29,072,320, C>T on the plus strand (G>A on the coding strand, the complement: PCARE is on the minus strand). VCF-style: chr2-29072320-C-T. GRCh37 (hg19) VCF-style: chr2-29295186-C-T.
Other names: short protein forms A648T.
Identifiers: ClinVar variation 777945 (VCV000777945.39), dbSNP rs75276619, ClinGen allele CA1592321.

ClinVar aggregate classification (germline): Benign. Review status: criteria provided, multiple submitters, no conflicts (2 of 4 stars). 5 submissions from 5 submitters: Benign (5). Last evaluated 2026-02-01.

Conditions:
Retinal dystrophy. Also called: Inherited retinal dystrophy. Identifiers: Orphanet 71862, MedGen C0854723, MeSH D058499, MONDO:0019118, HP:0000556.
Retinitis pigmentosa (RP). Identifiers: Orphanet 791, MedGen C0035334, MeSH D012174, MONDO:0019200, OMIM 268000. Inheritance: Autosomal dominant, autosomal recessive and X linked inheritance.

Allele frequency attached by ClinVar (database versions not stated): gnomAD exomes 0.01025; 1000 Genomes Project 0.00599; 1000 Genomes Project 30x 0.00671; ESP Exome Variant Server 0.00901; TOPMed 0.00935; gnomAD 0.00938 and 0.00945; ExAC 0.00977.
gnomAD v4.1: 21,284 of 1,614,144 alleles (1.3%); highest among the groups gnomAD compares: Non-Finnish European, 1.5%; 193 homozygotes.

Submissions (5):

Labcorp Genetics (formerly Invitae), Labcorp
Classification: Benign. Last evaluated: 2026-02-01. Review status: criteria provided, single submitter. Criteria: Invitae Variant Classification Sherloc (09022015). Collection method: clinical testing. Allele origin: germline.

CeGaT Center for Human Genetics Tuebingen
Classification: Benign. Last evaluated: 2024-07-01. Review status: criteria provided, single submitter. Criteria: CeGaT Center For Human Genetics Tuebingen Variant Classification Criteria Version 2. Collection method: clinical testing. Allele origin: germline. Affected: yes. Observed: 4 variant alleles.
Comment: PCARE: BP4, BS1, BS2

Dept Of Ophthalmology, Nagoya University
Classification: Benign for Retinal dystrophy. Last evaluated: 2023-10-01. Review status: criteria provided, single submitter. Criteria: Submitter's publication. Collection method: research. Allele origin: germline. Affected: yes.

Illumina Laboratory Services, Illumina
Classification: Benign for Retinitis pigmentosa. Last evaluated: 2017-04-27. Review status: criteria provided, single submitter. Criteria: ICSL Variant Classification Criteria 13 December 2019. Collection method: clinical testing. Allele origin: germline.
Comment: This variant was observed as part of a predisposition screen in an ostensibly healthy population. A literature search was performed for the gene, cDNA change, and amino acid change (where applicable). Publications were found based on this search. The evidence from the literature, in combination with allele frequency data from public databases where available, was sufficient to rule this variant out of causing disease. Therefore, this variant is classified as benign.

Breakthrough Genomics
Classification: Benign. Review status: criteria provided, single submitter. Criteria: ACMG Guidelines, 2015. Collection method: not provided. Allele origin: germline. Inheritance: Unknown mechanism. Affected: yes.

Literature cited by the submitters: PubMed 20811058 (cited by Illumina Laboratory Services, Illumina).